The following is an entry in ClinVar:

NM_004946.3(DOCK2):c.286T>C (p.Trp96Arg)

Gene: DOCK2 (dedicator of cytokinesis 2; plus strand). Cytogenetic location: 5q35.1.
Variant type: single nucleotide variant.
Coding change: c.286T>C on transcript NM_004946.3 (MANE Select); coding-DNA position 286, T replaced by C.
Protein change: p.Trp96Arg; replaces tryptophan 96 with arginine.
Molecular consequence: missense variant. On other transcripts: non-coding transcript variant (1).
Genome position (GRCh38, 1-based): chr5:169,671,139, T>C. VCF-style: chr5-169671139-T-C. GRCh37 (hg19) VCF-style: chr5-169098143-T-C.
Other names: c.286T>C, p.Trp96Arg (LRG_1227t1); short protein forms W96R.
Identifiers: ClinVar variation 578432 (VCV000578432.12), dbSNP rs370949354, ClinGen allele CA3553129.

ClinVar aggregate classification (germline): Uncertain significance. Review status: criteria provided, multiple submitters, no conflicts (2 of 4 stars). 4 submissions from 4 submitters: Uncertain significance (4). Last evaluated 2024-11-04.

Conditions:
DOCK2 deficiency. Also called: Immunodeficiency 40. Identifiers: Orphanet 447737, MedGen C4225328, MONDO:0014637, OMIM 616433.
Inborn genetic diseases. Identifiers: MedGen C0950123, MeSH D030342.

Allele frequency attached by ClinVar (database versions not stated): ExAC 0.00004; gnomAD exomes 0.00004; gnomAD 0.00005 and 0.00006; TOPMed 0.00005; ESP Exome Variant Server 0.00015.
gnomAD v4.1: 104 of 1,613,926 alleles (0.0064%); highest among the groups gnomAD compares: Non-Finnish European, 0.0084%; 1 homozygote.

Submissions (4):

Blueprint Genetics
Classification: Uncertain significance. Last evaluated: 2024-11-04. Review status: criteria provided, single submitter. Criteria: ACMG Guidelines, 2015. Collection method: clinical testing. Allele origin: germline.

Labcorp Genetics (formerly Invitae), Labcorp
Classification: Uncertain significance for DOCK2 deficiency. Last evaluated: 2024-10-16. Review status: criteria provided, single submitter. Criteria: Invitae Variant Classification Sherloc (09022015). Collection method: clinical testing. Allele origin: germline.
Comment: This sequence change replaces tryptophan, which is neutral and slightly polar, with arginine, which is basic and polar, at codon 96 of the DOCK2 protein (p.Trp96Arg). This variant is present in population databases (rs370949354, gnomAD 0.009%). This variant has not been reported in the literature in individuals affected with DOCK2-related conditions. ClinVar contains an entry for this variant (Variation ID: 578432). An algorithm developed to predict the effect of missense changes on protein structure and function (PolyPhen-2) suggests that this variant¬†is likely to be tolerated. In summary, the available evidence is currently insufficient to determine the role of this variant in disease. Therefore, it has been classified as a Variant of Uncertain Significance.

Fulgent Genetics
Classification: Uncertain significance for DOCK2 deficiency. Last evaluated: 2022-04-18. Review status: criteria provided, single submitter. Criteria: ACMG Guidelines, 2015. Collection method: clinical testing. Allele origin: unknown.

Ambry Genetics
Classification: Uncertain significance for Inborn genetic diseases. Last evaluated: 2021-08-13. Review status: criteria provided, single submitter. Criteria: Ambry Variant Classification Scheme 2023. Collection method: clinical testing. Allele origin: germline.